The following is an entry in ClinVar:

ClinVar aggregate classification (germline): Pathogenic (1 of 4 stars; one submission).

Conditions:
Mucopolysaccharidosis, MPS-II (MPS2). Also called: Hunter Syndrome; IDURONATE 2-SULFATASE DEFICIENCY; Mucopolysaccharidosis Type II; Mucopolysaccharidosis type 2; Attenuated MPS (subtype; formerly known as mild MPS II); Severe MPS II. Identifiers: Orphanet 580, Orphanet 79388, MedGen C0026705, MONDO:0010674, OMIM 309900.

Submission:

Laboratory of Diagnosis and Therapy of Lysosomal Disorders, University of Padova
Classification: Pathogenic for Mucopolysaccharidosis, MPS-II. Last evaluated: 2024-06-07. Review status: criteria provided, single submitter. Criteria: ACMG Guidelines, 2015. Collection method: literature only. Allele origin: germline. Affected: yes. Observed: 1 variant allele.
Comment: Null variant (PVS1_VeryStrong), Absent from controls (or at low frequency) in gnomAD database (PM2_Moderate), Patient’s phenotype or family history highly specific for the disease (PP4_Moderate)

Classification method: ACMG Guidelines [PMID:25741868] with modifications

Literature cited by the submitters: PubMed 35144014; PubMed 35916809.

NM_000202.8(IDS):c.241-1G>C

Gene: IDS (iduronate 2-sulfatase; minus strand). Cytogenetic location: Xq28.
Variant type: single nucleotide variant.
Coding change: c.241-1G>C on transcript NM_000202.8 (MANE Select); the canonical splice acceptor site of the intron before coding-DNA position 241, G replaced by C.
Molecular consequence: splice acceptor variant. On other transcripts: intron variant (1).
Genome position (GRCh38, 1-based): chrX:149,503,490, C>G on the plus strand (G>C on the coding strand, the complement: IDS is on the minus strand). VCF-style: chrX-149503490-C-G. GRCh37 (hg19) VCF-style: chrX-148585020-C-G.
Other names: c.15-45G>C (NM_001166550.4); c.241-1G>C (NM_006123.5).
Identifiers: ClinVar variation 3255621 (VCV003255621.2).